The following is an entry in ClinVar:

NM_006944.3(SPP2):c.340G>C (p.Ala114Pro)

Gene: SPP2 (secreted phosphoprotein 2; plus strand). Cytogenetic location: 2q37.1.
Variant type: single nucleotide variant.
Coding change: c.340G>C on transcript NM_006944.3 (MANE Select); coding-DNA position 340, G replaced by C.
Protein change: p.Ala114Pro; replaces alanine 114 with proline.
Molecular consequence: missense variant.
Genome position (GRCh38, 1-based): chr2:234,060,375, G>C. VCF-style: chr2-234060375-G-C. GRCh37 (hg19) VCF-style: chr2-234969019-G-C.
Other names: short protein forms A114P.
Identifiers: ClinVar variation 1486626 (VCV001486626.8), dbSNP rs2125457347, ClinGen allele CA351103023.

ClinVar aggregate classification (germline): Uncertain significance (1 of 4 stars; one submission).

Submission:

Labcorp Genetics (formerly Invitae), Labcorp
Classification: Uncertain significance. Last evaluated: 2022-08-09. Review status: criteria provided, single submitter. Criteria: Invitae Variant Classification Sherloc (09022015). Collection method: clinical testing. Allele origin: germline.
Comment: In summary, the available evidence is currently insufficient to determine the role of this variant in disease. Therefore, it has been classified as a Variant of Uncertain Significance. Algorithms developed to predict the effect of missense changes on protein structure and function are either unavailable or do not agree on the potential impact of this missense change (SIFT: "Deleterious"; PolyPhen-2: "Probably Damaging"; Align-GVGD: "Class C0"). ClinVar contains an entry for this variant (Variation ID: 1486626). This variant has not been reported in the literature in individuals affected with SPP2-related conditions. This variant is not present in population databases (gnomAD no frequency). This sequence change replaces alanine, which is neutral and non-polar, with proline, which is neutral and non-polar, at codon 114 of the SPP2 protein (p.Ala114Pro).